The following is an entry in ClinVar:

ClinVar aggregate classification (germline): Uncertain significance (1 of 4 stars; one submission).

Conditions:
Hypertrophic cardiomyopathy. Also called: HYPERTROPHIC MYOCARDIOPATHY. Identifiers: Orphanet 217569, MedGen C0007194, MeSH D002312, MONDO:0005045, HP:0001639.

Submission:

Labcorp Genetics (formerly Invitae), Labcorp
Classification: Uncertain significance for Hypertrophic cardiomyopathy. Last evaluated: 2021-01-14. Review status: criteria provided, single submitter. Criteria: Invitae Variant Classification Sherloc (09022015). Collection method: clinical testing. Allele origin: germline.
Comment: This sequence change replaces arginine with glycine at codon 382 of the MYBPC3 protein (p.Arg382Gly). The arginine residue is moderately conserved and there is a moderate physicochemical difference between arginine and glycine. This variant is not present in population databases (ExAC no frequency). This variant has not been reported in the literature in individuals with MYBPC3-related conditions. Algorithms developed to predict the effect of missense changes on protein structure and function are either unavailable or do not agree on the potential impact of this missense change (SIFT: "Deleterious"; PolyPhen-2: "Probably Damaging"; Align-GVGD: "Class C0"). In summary, the available evidence is currently insufficient to determine the role of this variant in disease. Therefore, it has been classified as a Variant of Uncertain Significance.

NM_000256.3(MYBPC3):c.1144C>G (p.Arg382Gly)

Gene: MYBPC3 (myosin binding protein C3; minus strand). Cytogenetic location: 11p11.2.
Variant type: single nucleotide variant.
Coding change: c.1144C>G on transcript NM_000256.3 (MANE Select); coding-DNA position 1144, C replaced by G.
Protein change: p.Arg382Gly; replaces arginine 382 with glycine.
Molecular consequence: missense variant.
Genome position (GRCh38, 1-based): chr11:47,343,571, G>C on the plus strand (C>G on the coding strand, the complement: MYBPC3 is on the minus strand). VCF-style: chr11-47343571-G-C. GRCh37 (hg19) VCF-style: chr11-47365122-G-C.
Other names: short protein forms R382G.
Identifiers: ClinVar variation 1403482 (VCV001403482.8), dbSNP rs11570076, ClinGen allele CA380329005.